The following is an entry in ClinVar:

ClinVar aggregate classification (germline): Likely benign. Review status: criteria provided, multiple submitters, no conflicts (2 of 4 stars). 3 submissions from 3 submitters: Likely benign (3). Last evaluated 2026-05-01.

Allele frequency attached by ClinVar (database versions not stated): ExAC below 0.00001; gnomAD exomes 0.00007 and 0.00031; gnomAD 0.00015.
gnomAD v4.1: 320 of 1,140,418 alleles (0.028%); highest among the groups gnomAD compares: Non-Finnish European, 0.032%; no homozygotes.

Submissions (3):

CeGaT Center for Human Genetics Tuebingen
Classification: Likely benign. Last evaluated: 2026-05-01. Review status: criteria provided, single submitter. Criteria: CeGaT Center For Human Genetics Tuebingen Variant Classification Criteria Version 2. Collection method: clinical testing. Allele origin: germline. Affected: yes. Observed: 2 variant alleles.
Comment: DEAF1: BP4, BP7

Labcorp Genetics (formerly Invitae), Labcorp
Classification: Likely benign. Last evaluated: 2026-02-03. Review status: criteria provided, single submitter. Criteria: Invitae Variant Classification Sherloc (09022015). Collection method: clinical testing. Allele origin: germline.

Genetic Services Laboratory, University of Chicago
Classification: Likely benign. Last evaluated: 2016-01-05. Review status: criteria provided, single submitter. Criteria: ACMG Guidelines, 2015. Collection method: clinical testing. Allele origin: germline. Affected: no.

NM_021008.4(DEAF1):c.99A>C (p.Ala33=)

Gene: DEAF1 (DEAF1 transcription factor; minus strand). Cytogenetic location: 11p15.5.
Variant type: single nucleotide variant.
Coding change: c.99A>C on transcript NM_021008.4 (MANE Select); coding-DNA position 99, A replaced by C.
Protein change: p.Ala33=; no amino-acid change (alanine 33 retained).
Molecular consequence: synonymous variant. On other transcripts: intron variant (1).
Genome position (GRCh38, 1-based): chr11:694,949, T>G on the plus strand (A>C on the coding strand, the complement: DEAF1 is on the minus strand). VCF-style: chr11-694949-T-G. GRCh37 (hg19) VCF-style: chr11-694949-T-G.
Other names: c.99A>C, p.Ala33= (NM_001293634.2); c.-437-3351A>C (NM_001367390.1).
Identifiers: ClinVar variation 434929 (VCV000434929.23), dbSNP rs895976430, ClinGen allele CA5786659.